The following is an entry in ClinVar:

ClinVar aggregate classification (germline): Uncertain significance. Review status: criteria provided, multiple submitters, no conflicts (2 of 4 stars). 3 submissions from 3 submitters: Uncertain significance (3). Last evaluated 2025-05-06.

Conditions:
Spermatogenic failure 28. Identifiers: MedGen C4748117, MONDO:0054732, OMIM 618086.
Premature ovarian failure 15. Identifiers: MedGen C4748170, MONDO:0054862, OMIM 618096.
Fanconi anemia (FA). Also called: Fanconi's anemia. Identifiers: Orphanet 84, MedGen C0015625, MeSH D005199, MONDO:0019391.

Allele frequency attached by ClinVar (database versions not stated): gnomAD exomes below 0.00001.
gnomAD v4.1: 2 of 1,613,942 alleles (0.00012%); highest among the groups gnomAD compares: Admixed American, 0.0017%; no homozygotes.

Submissions (3):

Labcorp Genetics (formerly Invitae), Labcorp
Classification: Uncertain significance for Fanconi anemia. Last evaluated: 2025-05-06. Review status: criteria provided, single submitter. Criteria: Invitae Variant Classification Sherloc (09022015). Collection method: clinical testing. Allele origin: germline.
Comment: This sequence change replaces threonine, which is neutral and polar, with alanine, which is neutral and non-polar, at codon 1765 of the FANCM protein (p.Thr1765Ala). This variant is present in population databases (no rsID available, gnomAD 0.003%). This variant has not been reported in the literature in individuals affected with FANCM-related conditions. ClinVar contains an entry for this variant (Variation ID: 998258). An algorithm developed to predict the effect of missense changes on protein structure and function outputs the following: PolyPhen-2: "Benign". The alanine amino acid residue is found in multiple mammalian species, which suggests that this missense change does not adversely affect protein function. In summary, the available evidence is currently insufficient to determine the role of this variant in disease. Therefore, it has been classified as a Variant of Uncertain Significance.

Fulgent Genetics
Classification: Uncertain significance for Spermatogenic failure 28; Premature ovarian failure 15. Last evaluated: 2022-02-28. Review status: criteria provided, single submitter. Criteria: ACMG Guidelines, 2015. Collection method: clinical testing. Allele origin: unknown.

Baylor Genetics
Classification: Uncertain significance for Spermatogenic failure 28. Last evaluated: 2020-01-07. Review status: criteria provided, single submitter. Criteria: ACMG Guidelines, 2015. Collection method: clinical testing. Allele origin: unknown. Affected: yes. Study: CSER-TexasKidsCanSeq.
Comment: This variant was determined to be of uncertain significance according to ACMG Guidelines, 2015 [PMID:25741868].

NM_020937.4(FANCM):c.5293A>G (p.Thr1765Ala)

Gene: FANCM (FA complementation group M; plus strand). Cytogenetic location: 14q21.2.
Variant type: single nucleotide variant.
Coding change: c.5293A>G on transcript NM_020937.4 (MANE Select); coding-DNA position 5293, A replaced by G.
Protein change: p.Thr1765Ala; replaces threonine 1765 with alanine.
Molecular consequence: missense variant.
Genome position (GRCh38, 1-based): chr14:45,189,315, A>G. VCF-style: chr14-45189315-A-G. GRCh37 (hg19) VCF-style: chr14-45658518-A-G.
Other names: c.5215A>G, p.Thr1739Ala (NM_001308133.2); short protein forms T1739A, T1765A.
Identifiers: ClinVar variation 998258 (VCV000998258.6), dbSNP rs1386457912, ClinGen allele CA389613230.
Genomic context (GRCh38, chr14:45,189,315, plus strand): 5'-GTCTCAGACTTCAAACCTCAGAATCATAATGAAGTCCAGTCTACCACACCACCCTTCACT[A>G]CTGTTGATTCACAGAAAGACTGTAGAAAATTTCCAGTTCCACAGAAGGTATGGATCAAAG-3'
Protein context (NP_065988.1, residues 1755-1775): EVQSTTPPFT[Thr1765Ala]VDSQKDCRKF